The following is an entry in ClinVar:

ClinVar aggregate classification (germline): Uncertain significance. Review status: criteria provided, multiple submitters, no conflicts (2 of 4 stars). 2 submissions from 2 submitters: Uncertain significance (2). Last evaluated 2025-02-14.

Conditions:
ADCY3-related disorder. Also called: ADCY3-related condition.

Allele frequency attached by ClinVar (database versions not stated): TOPMed below 0.00001.
gnomAD v4.1: 3 of 1,614,032 alleles (0.00019%); highest among the groups gnomAD compares: Non-Finnish European, 0.00025%; no homozygotes.

Submissions (2):

PreventionGenetics, part of Exact Sciences
Classification: Uncertain significance for ADCY3-related condition. Last evaluated: 2025-02-14. Review status: criteria provided, single submitter. Criteria: ACMG Guidelines, 2015. Collection method: clinical testing. Allele origin: germline.
Comment: The ADCY3 c.1564A>C variant is predicted to result in the amino acid substitution p.Lys522Gln. To our knowledge, this variant has not been reported in the literature or in a large population database (gnomAD), indicating this variant is rare. At this time, the clinical significance of this variant is uncertain due to the absence of conclusive functional and genetic evidence.

Labcorp Genetics (formerly Invitae), Labcorp
Classification: Uncertain significance. Last evaluated: 2022-03-25. Review status: criteria provided, single submitter. Criteria: Invitae Variant Classification Sherloc (09022015). Collection method: clinical testing. Allele origin: germline.
Comment: This sequence change replaces lysine, which is basic and polar, with glutamine, which is neutral and polar, at codon 522 of the ADCY3 protein (p.Lys522Gln). In summary, the available evidence is currently insufficient to determine the role of this variant in disease. Therefore, it has been classified as a Variant of Uncertain Significance. Algorithms developed to predict the effect of missense changes on protein structure and function output the following: SIFT: "Not Available"; PolyPhen-2: "Benign"; Align-GVGD: "Not Available". The glutamine amino acid residue is found in multiple mammalian species, which suggests that this missense change does not adversely affect protein function. This variant has not been reported in the literature in individuals affected with ADCY3-related conditions. This variant is not present in population databases (gnomAD no frequency).

NM_004036.5(ADCY3):c.1564A>C (p.Lys522Gln)

Gene: ADCY3 (adenylate cyclase 3; minus strand). Cytogenetic location: 2p23.3.
Variant type: single nucleotide variant.
Coding change: c.1564A>C on transcript NM_004036.5 (MANE Select); coding-DNA position 1564, A replaced by C.
Protein change: p.Lys522Gln; replaces lysine 522 with glutamine.
Molecular consequence: missense variant.
Genome position (GRCh38, 1-based): chr2:24,837,015, T>G on the plus strand (A>C on the coding strand, the complement: ADCY3 is on the minus strand). VCF-style: chr2-24837015-T-G. GRCh37 (hg19) VCF-style: chr2-25059884-T-G.
Other names: c.1564A>C, p.Lys522Gln (NM_001320613.2, NM_001377129.1, NM_001377130.1 and 1 more transcripts); c.1630A>C, p.Lys544Gln (NM_001377128.1); c.841A>C, p.Lys281Gln (NM_001377131.1); c.1564A>C (NM_001320613.1); short protein forms K544Q, K281Q, K522Q.
Identifiers: ClinVar variation 1937749 (VCV001937749.6), dbSNP rs1213626321, ClinGen allele CA346060045.